The following is an entry in ClinVar:

NM_001394998.1(TANC2):c.56A>G (p.Asn19Ser)

Gene: TANC2 (tetratricopeptide repeat, ankyrin repeat and coiled-coil containing 2; plus strand). Cytogenetic location: 17q23.2.
Variant type: single nucleotide variant.
Coding change: c.56A>G on transcript NM_001394998.1 (MANE Select); coding-DNA position 56, A replaced by G.
Protein change: p.Asn19Ser; replaces asparagine 19 with serine.
Molecular consequence: missense variant.
Genome position (GRCh38, 1-based): chr17:63,009,615, A>G. VCF-style: chr17-63009615-A-G. GRCh37 (hg19) VCF-style: chr17-61086976-A-G.
Other names: c.56A>G, p.Asn19Ser (NM_001411076.1, NM_025185.4); short protein forms N19S.
Identifiers: ClinVar variation 3389605 (VCV003389605.14).
Genomic context (GRCh38, chr17:63,009,615, plus strand): 5'-TAACCATGTTTCGGAATAGTCTCAAGATGCTGCTTACTGGTGGGAAATCAAGTCGTAAAA[A>G]CAGGTCAAGTGGTAAGTGACTATGCTACATTTATTGTGCGTGATATTTTACAAATACAAG-3'
Protein context (NP_001381927.1, residues 9-29): LLTGGKSSRK[Asn19Ser]RSSDGGSEEP

ClinVar aggregate classification (germline): Uncertain significance (1 of 4 stars; one submission).

Submission:

CeGaT Center for Human Genetics Tuebingen
Classification: Uncertain significance. Last evaluated: 2024-09-01. Review status: criteria provided, single submitter. Criteria: CeGaT Center For Human Genetics Tuebingen Variant Classification Criteria Version 2. Collection method: clinical testing. Allele origin: germline. Affected: yes. Observed: 1 variant allele.
Comment: TANC2: PM2